The following is an entry in ClinVar:

ClinVar aggregate classification (germline): Pathogenic (1 of 4 stars; one submission).

Conditions:
Hereditary spastic paraplegia 11. Also called: Spastic Paraplegia 11; Spastic paraplegia, mental retardation and thin corpus callosum; SPASTIC PARAPLEGIA, AUTOSOMAL RECESSIVE, COMPLICATED, WITH THIN CORPUS CALLOSUM; SPASTIC PARAPLEGIA, AUTOSOMAL RECESSIVE, WITH MENTAL IMPAIRMENT AND THIN CORPUS CALLOSUM; Nakamura Osame syndrome; Autosomal recessive hereditary spastic paraplegia, mental impairment, and thin corpus callosum. Identifiers: Orphanet 2822, MedGen C1858479, MONDO:0011445, OMIM 604360.

Submission:

Labcorp Genetics (formerly Invitae), Labcorp
Classification: Pathogenic for Hereditary spastic paraplegia 11. Last evaluated: 2023-03-20. Review status: criteria provided, single submitter. Criteria: Invitae Variant Classification Sherloc (09022015). Collection method: clinical testing. Allele origin: germline.
Comment: This sequence change creates a premature translational stop signal (p.Gln2042Glyfs*3) in the SPG11 gene. It is expected to result in an absent or disrupted protein product. Loss-of-function variants in SPG11 are known to be pathogenic (PMID: 19105190, 20110243, 22154821, 26556829). This variant is not present in population databases (gnomAD no frequency). This variant has not been reported in the literature in individuals affected with SPG11-related conditions. For these reasons, this variant has been classified as Pathogenic.

Literature cited by the submitters: PubMed 19105190; PubMed 20110243; PubMed 22154821; PubMed 26556829.

NM_025137.4(SPG11):c.6124_6125del (p.Gln2042fs)

Gene: SPG11 (SPG11 vesicle trafficking associated, spatacsin; minus strand). Cytogenetic location: 15q21.1.
Variant type: Microsatellite.
Coding change: c.6124_6125del on transcript NM_025137.4 (MANE Select); coding-DNA positions 6124 to 6125, 2 bases deleted (CA; older notation c.6124_6125delCA).
Protein change: p.Gln2042fs; shifts the reading frame from glutamine 2042.
Molecular consequence: frameshift variant. On other transcripts: intron variant (1).
Genome position (GRCh38, 1-based): chr15:44,573,627-44,573,628, TG deleted on the plus strand (CA on the coding strand, the reverse complement: SPG11 is on the minus strand); deleting any 2 consecutive bases within chr15:44,573,627-44,573,632 gives the same sequence; the c. name uses the placement nearest the transcript's 3' end. VCF-style (leftmost placement, unchanged base first): chr15-44573626-CTG-C. GRCh37 (hg19) VCF-style: chr15-44865824-CTG-C.
Other names: c.5980_5981del, p.Gln1994fs (NM_001411132.1); c.5867-812CA[2] (NM_001160227.2); short protein forms Q1994fs, Q2042fs.
Identifiers: ClinVar variation 2847658 (VCV002847658.3), dbSNP rs2505229934, ClinGen allele CA2739279739.